The following is an entry in ClinVar:

ClinVar aggregate classification (germline): Uncertain significance (1 of 4 stars; one submission).

Submission:

GeneDx
Classification: Uncertain significance. Last evaluated: 2017-04-27. Review status: criteria provided, single submitter. Criteria: GeneDx Variant Classification (06012015). Collection method: clinical testing. Allele origin: germline. Affected: yes.
Comment: The I582V variant in the RYR1 gene has not been reported previously as a pathogenic variant, nor as a benign variant, to our knowledge. The I582V variant is not observed in large population cohorts (Lek et al., 2016; 1000 Genomes Consortium et al., 2015; Exome Variant Server). The I582V variant is a conservative amino acid substitution, which is not likely to impact secondary protein structure as these residues share similar properties. This substitution occurs at a position that is conserved across species. In silico analysis is inconsistent in its predictions as to whether or not the variant is damaging to the protein structure/function. We interpret I582V as a variant of uncertain significance.

NM_000540.3(RYR1):c.1744A>G (p.Ile582Val)

Gene: RYR1 (ryanodine receptor 1; plus strand). Cytogenetic location: 19q13.2.
Variant type: single nucleotide variant.
Coding change: c.1744A>G on transcript NM_000540.3 (MANE Select); coding-DNA position 1744, A replaced by G.
Protein change: p.Ile582Val; replaces isoleucine 582 with valine.
Molecular consequence: missense variant.
Genome position (GRCh38, 1-based): chr19:38,455,704, A>G. VCF-style: chr19-38455704-A-G. GRCh37 (hg19) VCF-style: chr19-38946344-A-G.
Other names: c.1744A>G, p.Ile582Val (NM_001042723.2); short protein forms I582V.
Identifiers: ClinVar variation 429785 (VCV000429785.2), dbSNP rs1131691591, ClinGen allele CA405691501.